The following is an entry in ClinVar:

ClinVar aggregate classification (germline): Uncertain significance. Review status: criteria provided, multiple submitters, no conflicts (2 of 4 stars). 2 submissions from 2 submitters: Uncertain significance (2). Last evaluated 2022-08-03.

Conditions:
Hereditary cancer-predisposing syndrome. Also called: Tumor predisposition; Neoplastic Syndromes, Hereditary; Hereditary Cancer Syndrome; Hereditary neoplastic syndrome. Identifiers: Orphanet 140162, MedGen C0027672, MeSH D009386, MONDO:0015356.
Familial cancer of breast. Also called: Hereditary breast cancer; BREAST CANCER, FAMILIAL; hereditary breast carcinoma. Identifiers: Orphanet 227535, MedGen C0346153, MONDO:0016419, OMIM 114480. Disease mechanism: loss of function.

Submissions (2):

Ambry Genetics
Classification: Uncertain significance for Hereditary cancer-predisposing syndrome. Last evaluated: 2022-08-03. Review status: criteria provided, single submitter. Criteria: Ambry Variant Classification Scheme 2023. Collection method: clinical testing. Allele origin: germline.
Comment: The p.G173R variant (also known as c.517G>A), located in coding exon 4 of the PALB2 gene, results from a G to A substitution at nucleotide position 517. The glycine at codon 173 is replaced by arginine, an amino acid with dissimilar properties. This amino acid position is well conserved in available vertebrate species. In addition, this alteration is predicted to be tolerated by in silico analysis. Since supporting evidence is limited at this time, the clinical significance of this alteration remains unclear.

Labcorp Genetics (formerly Invitae), Labcorp
Classification: Uncertain significance for Familial cancer of breast. Last evaluated: 2016-03-10. Review status: criteria provided, single submitter. Criteria: Invitae Variant Classification Sherloc (09022015). Collection method: clinical testing. Allele origin: germline.
Comment: This variant is not present in population databases (ExAC no frequency) and has not been reported in the literature in individuals with a PALB2-related disease. This sequence change replaces glycine with arginine at codon 173 of the PALB2 protein (p.Gly173Arg). The glycine residue is moderately conserved and there is a moderate physicochemical difference between glycine and arginine. Algorithms developed to predict the effect of missense changes on protein structure and function (SIFT, PolyPhen-2, Align-GVGD) all suggest that this variant is likely to be tolerated, but these predictions have not been confirmed by published functional studies. In summary, this variant is a novel missense change that is not predicted to affect protein function. There is no indication that it causes disease, but the available evidence is currently insufficient to prove that conclusively. Therefore, it has been classified as a Variant of Uncertain Significance.

NM_024675.4(PALB2):c.517G>A (p.Gly173Arg)

Gene: PALB2 (partner and localizer of BRCA2; minus strand). Cytogenetic location: 16p12.2.
Variant type: single nucleotide variant.
Coding change: c.517G>A on transcript NM_024675.4 (MANE Select); coding-DNA position 517, G replaced by A.
Protein change: p.Gly173Arg; replaces glycine 173 with arginine.
Molecular consequence: missense variant.
Genome position (GRCh38, 1-based): chr16:23,636,029, C>T on the plus strand (G>A on the coding strand, the complement: PALB2 is on the minus strand). VCF-style: chr16-23636029-C-T. GRCh37 (hg19) VCF-style: chr16-23647350-C-T.
Other names: short protein forms G173R.
Identifiers: ClinVar variation 241569 (VCV000241569.14), dbSNP rs878855121, ClinGen allele CA10583381.